The following is an entry in ClinVar:

NM_000352.6(ABCC8):c.1428C>G (p.Phe476Leu)

Gene: ABCC8 (ATP binding cassette subfamily C member 8; minus strand). Cytogenetic location: 11p15.1.
Variant type: single nucleotide variant.
Coding change: c.1428C>G on transcript NM_000352.6 (MANE Select); coding-DNA position 1428, C replaced by G.
Protein change: p.Phe476Leu; replaces phenylalanine 476 with leucine.
Molecular consequence: missense variant. On other transcripts: non-coding transcript variant (1).
Genome position (GRCh38, 1-based): chr11:17,443,217, G>C on the plus strand (C>G on the coding strand, the complement: ABCC8 is on the minus strand). VCF-style: chr11-17443217-G-C. GRCh37 (hg19) VCF-style: chr11-17464764-G-C.
Other names: c.1428C>G, p.Phe476Leu (NM_001287174.3, NM_001351295.2); c.1425C>G, p.Phe475Leu (NM_001351296.2, NM_001351297.2); short protein forms F475L, F476L.
Identifiers: ClinVar variation 1691079 (VCV001691079.1), dbSNP rs867541142, ClinGen allele CA379767023.
Genomic context (GRCh38, chr11:17,443,217, plus strand): 5'-CACACACCTTTGGGCACTCACCAGTGTGCTCCGCTGGGCCTGAGACAGCTTGGTGGCCAC[G>C]AAGTACTGGACAGGAGCCAGTAGAATGATGACAGCTGCTCCAATTAAGGCACTGACTCCG-3'
Protein context (NP_000343.2, residues 466-486): VIILLAPVQY[Phe476Leu]VATKLSQAQR

ClinVar aggregate classification (germline): Uncertain significance. Review status: criteria provided, single submitter (1 of 4 stars). 2 submissions from 1 submitter: Uncertain significance (2).

Conditions:
Maturity-onset diabetes of the young (MODY). Also called: Maturity onset diabetes mellitus in young. Identifiers: Orphanet 552, MedGen C0342276, MONDO:0018911, HP:0004904.
Transitory neonatal diabetes mellitus. Also called: Transient neonatal diabetes mellitus. Identifiers: MedGen C0342273, MONDO:0020525, HP:0008255.

Allele frequency attached by ClinVar (database versions not stated): TOPMed below 0.00001; gnomAD 0.00001.
gnomAD v4.1: 1 of 1,614,034 alleles (0.000062%); highest among the groups gnomAD compares: African/African-American, 0.0013%; no homozygotes.

Submissions (2):

Clinical Genomics, Uppaluri K&H Personalized Medicine Clinic
Classification: Uncertain significance for Transitory neonatal diabetes mellitus. Review status: criteria provided, single submitter. Criteria: K & H Uppaluri Personalized Medicine Clinic Variant Classification & Assertion Criteria_Updated V.1. Collection method: research. Allele origin: unknown. Inheritance: Somatic mutation.
Comment: Mutations in ABCC8 gene are associated with both neonatal diabetes mellitus as well as MODY. Patients with this mutation may have a better response to sulfonylureas. However, no sufficient evidence is found to ascertain the role of this particular variant (rs867541142) in neonatal diabetes yet.

Clinical Genomics, Uppaluri K&H Personalized Medicine Clinic
Classification: Uncertain significance for Maturity-onset diabetes of the young. Review status: criteria provided, single submitter. Criteria: K & H Uppaluri Personalized Medicine Clinic Variant Classification & Assertion Criteria_Updated V.1. Collection method: research. Allele origin: unknown. Inheritance: Somatic mutation.
Comment: Mutations in ABCC8 gene are associated with both neonatal diabetes mellitus as well as MODY. Patients with this mutation may have a better response to sulfonylureas. However, no sufficient evidence is found to ascertain the role of this particular variant (rs867541142) in MODY yet.

Literature cited by the submitters: PubMed 16885549; PubMed 21989597; PubMed 27538677; PubMed 18981553; PubMed 32027066; PubMed 16613899; PubMed 18025408; PubMed 32792356.